The following is an entry in ClinVar:

NM_001148.6(ANK2):c.3604C>T (p.His1202Tyr)

Gene: ANK2 (ankyrin 2; plus strand). Cytogenetic location: 4q26.
Variant type: single nucleotide variant.
Coding change: c.3604C>T on transcript NM_001148.6 (MANE Select); coding-DNA position 3604, C replaced by T.
Protein change: p.His1202Tyr; replaces histidine 1202 with tyrosine.
Molecular consequence: missense variant.
Genome position (GRCh38, 1-based): chr4:113,336,589, C>T. VCF-style: chr4-113336589-C-T. GRCh37 (hg19) VCF-style: chr4-114257745-C-T.
Other names: c.3640C>T, p.His1214Tyr (NM_001354232.2); c.3601C>T, p.His1201Tyr (NM_001354235.2, NM_001354246.2, NM_001354265.2); c.3442C>T, p.His1148Tyr (NM_001354245.2, NM_001354262.2, NM_001354275.2); c.3418C>T, p.His1140Tyr (NM_001354249.2, NM_001354266.2, NM_001354267.2 and 6 more transcripts); c.3574C>T, p.His1192Tyr (NM_001354252.2, NM_001354239.2); c.3379C>T, p.His1127Tyr (NM_001354253.2, NM_001354270.2); c.3553C>T, p.His1185Tyr (NM_001354254.2); c.3541C>T, p.His1181Tyr (NM_001354255.2, NM_001354243.2, NM_001386143.1); and 31 more; short protein forms H1041Y, H1107Y, H1140Y, H1148Y, H1147Y, H1181Y, H1185Y, H1193Y.
Identifiers: ClinVar variation 3013626 (VCV003013626.3), dbSNP rs775966082, ClinGen allele CA3050890.

ClinVar aggregate classification (germline): Uncertain significance (1 of 4 stars; one submission).

Conditions:
Long QT syndrome (LQTS). Identifiers: MedGen C0023976, MeSH D008133, MONDO:0002442. Disease mechanism: loss of function. Inheritance: Various modes of inheritance.

Allele frequency attached by ClinVar (database versions not stated): TOPMed below 0.00001; ExAC 0.00001; gnomAD 0.00001; gnomAD exomes 0.00001.
gnomAD v4.1: 23 of 1,613,902 alleles (0.0014%); highest among the groups gnomAD compares: Non-Finnish European, 0.0019%; no homozygotes.

Submission:

Labcorp Genetics (formerly Invitae), Labcorp
Classification: Uncertain significance for Long QT syndrome. Last evaluated: 2023-02-04. Review status: criteria provided, single submitter. Criteria: Invitae Variant Classification Sherloc (09022015). Collection method: clinical testing. Allele origin: germline.
Comment: The frequency data for this variant in the population databases is considered unreliable, as metrics indicate poor data quality at this position in the gnomAD database. This sequence change replaces histidine, which is basic and polar, with tyrosine, which is neutral and polar, at codon 1202 of the ANK2 protein (p.His1202Tyr). This variant has not been reported in the literature in individuals affected with ANK2-related conditions. In summary, the available evidence is currently insufficient to determine the role of this variant in disease. Therefore, it has been classified as a Variant of Uncertain Significance. Advanced modeling of protein sequence and biophysical properties (such as structural, functional, and spatial information, amino acid conservation, physicochemical variation, residue mobility, and thermodynamic stability) has been performed at Invitae for this missense variant, however the output from this modeling did not meet the statistical confidence thresholds required to predict the impact of this variant on ANK2 protein function.